The following is an entry in ClinVar:

NM_000044.6(AR):c.2612C>G (p.Ala871Gly)

Gene: AR (androgen receptor; plus strand). Cytogenetic location: Xq12.
Variant type: single nucleotide variant.
Coding change: c.2612C>G on transcript NM_000044.6 (MANE Select); coding-DNA position 2612, C replaced by G.
Protein change: p.Ala871Gly; replaces alanine 871 with glycine.
Molecular consequence: missense variant.
Genome position (GRCh38, 1-based): chrX:67,723,690, C>G. VCF-style: chrX-67723690-C-G. GRCh37 (hg19) VCF-style: chrX-66943532-C-G.
Other names: c.1016C>G, p.Ala339Gly (NM_001011645.3); short protein forms A339G, A871G.
Identifiers: ClinVar variation 3362262 (VCV003362262.3).
Genomic context (GRCh38, chrX:67,723,690, plus strand): 5'-AGCAGAGGCCACCTCCTTGTCAACCCTGTTTTTCTCCCTCTTATTGTTCCCTACAGATTG[C>G]GAGAGAGCTGCATCAGTTCACTTTTGACCTGCTAATCAAGTCACACATGGTGAGCGTGGA-3'
Protein context (NP_000035.2, residues 861-881): TKLLDSVQPI[Ala871Gly]RELHQFTFDL

ClinVar aggregate classification (germline): Likely pathogenic (1 of 4 stars; one submission).

Conditions:
Partial androgen insensitivity syndrome (PAIS). Also called: ANDROGEN INSENSITIVITY, PARTIAL, WITH OR WITHOUT BREAST CANCER; Reifenstein syndrome; Pseudohermaphroditism, Incomplete male, type I; Gynecomastia, familial; Partial Androgen Insensitivity Syndrome (PAIS); Reifenstein syndrome, partial. Identifiers: Orphanet 90797, MedGen C0268301, MONDO:0010720, OMIM 312300.

Submission:

Neuberg Centre For Genomic Medicine, NCGM
Classification: Likely pathogenic for Partial androgen insensitivity syndrome. Last evaluated: 2023-05-20. Review status: criteria provided, single submitter. Criteria: ACMG Guidelines, 2015. Collection method: clinical testing. Allele origin: germline. Inheritance: X-linked recessive inheritance. Affected: yes.
Comment: The observed missense c.2612C>G(p.Ala871Gly) variant position in AR gene has been reported previously in X-linked state in individual(s) affected with androgen insensitivity syndrome (AIS) or sexual development disorder (Su et al., 2017; Chen et al., 2021). This variant is absent in gnomAD Exomes. This c.2612C>G(p.Ala871Gly) variant has not been reported to the ClinVar database, but this variant position c.2612C>T (p.Ala871Val) has been reported to the ClinVar database as Pathogenic (multiple submitters). The amino acid Ala at position 871 is changed to a Gly changing protein sequence and it might alter its composition and physico-chemical properties. The amino acid change p.Ala871Gly in AR is predicted as conserved by GERP++ and PhyloP across 100 vertebrates. Multiple lines of computational evidence (SIFT Prediction - Damaging, and MutationTaster - Disease causing) predict a damaging effect on protein structure and function for this variant. This variant disrupts the p.Ala871 amino acid residue in AR. Other variant(s) that disrupt this residue have been observed in individuals with AR-related conditions (Knoke et al., 1997). For these reasons, this variant has been classified as Likely Pathogenic.